The following is an entry in ClinVar:

NM_001365536.1(SCN9A):c.482G>C (p.Gly161Ala)

Gene: SCN9A (sodium voltage-gated channel alpha subunit 9; minus strand). Cytogenetic location: 2q24.3.
Variant type: single nucleotide variant.
Coding change: c.482G>C on transcript NM_001365536.1 (MANE Select); coding-DNA position 482, G replaced by C.
Protein change: p.Gly161Ala; replaces glycine 161 with alanine.
Molecular consequence: missense variant.
Genome position (GRCh38, 1-based): chr2:166,305,906, C>G on the plus strand (G>C on the coding strand, the complement: SCN9A is on the minus strand). VCF-style: chr2-166305906-C-G. GRCh37 (hg19) VCF-style: chr2-167162416-C-G.
Other names: c.482G>C, p.Gly161Ala (NM_002977.4); short protein forms G161A.
Identifiers: ClinVar variation 1006258 (VCV001006258.9), dbSNP rs1559030033, ClinGen allele CA349095253.

ClinVar aggregate classification (germline): Uncertain significance (1 of 4 stars; one submission).

Conditions:
Neuropathy, hereditary sensory and autonomic, type 2A (HSAN2A). Also called: HSAN IIA; MORVAN DISEASE; NEUROPATHY, CONGENITAL SENSORY; NEUROPATHY, HEREDITARY SENSORY RADICULAR, AUTOSOMAL RECESSIVE; NEUROPATHY, HEREDITARY SENSORY, TYPE IIA; NEUROPATHY, PROGRESSIVE SENSORY, OF CHILDREN. Identifiers: Orphanet 970, MedGen C2752089, MONDO:0024309, OMIM 201300.
Generalized epilepsy with febrile seizures plus, type 7 (GEFSP7). Also called: GEFS+, TYPE 7. Identifiers: Orphanet 36387, MedGen C2751778, MONDO:0013470, OMIM 613863.

Submission:

Labcorp Genetics (formerly Invitae), Labcorp
Classification: Uncertain significance for Neuropathy, hereditary sensory and autonomic, type 2A; Generalized epilepsy with febrile seizures plus, type 7. Last evaluated: 2024-05-04. Review status: criteria provided, single submitter. Criteria: Invitae Variant Classification Sherloc (09022015). Collection method: clinical testing. Allele origin: germline.
Comment: This sequence change replaces glycine, which is neutral and non-polar, with alanine, which is neutral and non-polar, at codon 161 of the SCN9A protein (p.Gly161Ala). This variant is not present in population databases (gnomAD no frequency). This variant has not been reported in the literature in individuals affected with SCN9A-related conditions. ClinVar contains an entry for this variant (Variation ID: 1006258). Advanced modeling of protein sequence and biophysical properties (such as structural, functional, and spatial information, amino acid conservation, physicochemical variation, residue mobility, and thermodynamic stability) performed at Invitae indicates that this missense variant is not expected to disrupt SCN9A protein function with a negative predictive value of 95%. In summary, the available evidence is currently insufficient to determine the role of this variant in disease. Therefore, it has been classified as a Variant of Uncertain Significance.